The following is an entry in ClinVar:

ClinVar aggregate classification (germline): Uncertain significance (1 of 4 stars; one submission).

Conditions:
Primary pulmonary hypertension. Also called: Idiopathic pulmonary hypertension. Identifiers: MedGen C0152171.

Submission:

Labcorp Genetics (formerly Invitae), Labcorp
Classification: Uncertain significance for Primary pulmonary hypertension. Last evaluated: 2024-04-25. Review status: criteria provided, single submitter. Criteria: Invitae Variant Classification Sherloc (09022015). Collection method: clinical testing. Allele origin: germline.
Comment: This sequence change falls in intron 8 of the BMPR2 gene. It does not directly change the encoded amino acid sequence of the BMPR2 protein. This variant is not present in population databases (gnomAD no frequency). This variant has not been reported in the literature in individuals affected with BMPR2-related conditions. Algorithms developed to predict the effect of sequence changes on RNA splicing suggest that this variant may disrupt the consensus splice site. In summary, the available evidence is currently insufficient to determine the role of this variant in disease. Therefore, it has been classified as a Variant of Uncertain Significance.

NM_001204.7(BMPR2):c.1129-9A>G

Gene: BMPR2 (bone morphogenetic protein receptor type 2; plus strand). Cytogenetic location: 2q33.2.
Variant type: single nucleotide variant.
Coding change: c.1129-9A>G on transcript NM_001204.7 (MANE Select); 9 bases into the intron before coding-DNA position 1129, A replaced by G.
Molecular consequence: intron variant.
Genome position (GRCh38, 1-based): chr2:202,532,576, A>G. VCF-style: chr2-202532576-A-G. GRCh37 (hg19) VCF-style: chr2-203397299-A-G.
Identifiers: ClinVar variation 3650809 (VCV003650809.2).
Genomic context (GRCh38, chr2:202,532,576, plus strand): 5'-CTGGTCTAATGTCTGTTCTTCAGAATATGCTACGTTCTCTCTCTAAAAAATATCACTCTA[A>G]TTTATCAGGTTGGCACTATCAGATATATGGCACCAGAAGTGCTAGAAGGAGCTGTGAACT-3'